The following is an entry in ClinVar:

ClinVar aggregate classification (germline): Uncertain significance (1 of 4 stars; one submission).

Submission:

Labcorp Genetics (formerly Invitae), Labcorp
Classification: Uncertain significance. Last evaluated: 2023-09-10. Review status: criteria provided, single submitter. Criteria: Invitae Variant Classification Sherloc (09022015). Collection method: clinical testing. Allele origin: germline.
Comment: This sequence change replaces arginine, which is basic and polar, with serine, which is neutral and polar, at codon 1891 of the TET2 protein (p.Arg1891Ser). This variant is not present in population databases (gnomAD no frequency). This variant has not been reported in the literature in individuals affected with TET2-related conditions. An algorithm developed to predict the effect of missense changes on protein structure and function (PolyPhen-2) suggests that this variant is likely to be disruptive. In summary, the available evidence is currently insufficient to determine the role of this variant in disease. Therefore, it has been classified as a Variant of Uncertain Significance.

NM_001127208.3(TET2):c.5673G>T (p.Arg1891Ser)

Genes: TET2 (tet methylcytosine dioxygenase 2; plus strand), TET2-AS1 (TET2 antisense RNA 1; minus strand). Cytogenetic location: 4q24.
Variant type: single nucleotide variant.
Coding change: c.5673G>T on transcript NM_001127208.3 (MANE Select); coding-DNA position 5673, G replaced by T.
Protein change: p.Arg1891Ser; replaces arginine 1891 with serine.
Molecular consequence: missense variant.
Genome position (GRCh38, 1-based): chr4:105,276,183, G>T. VCF-style: chr4-105276183-G-T. GRCh37 (hg19) VCF-style: chr4-106197340-G-T.
Other names: short protein forms R1891S.
Identifiers: ClinVar variation 2759991 (VCV002759991.3), dbSNP rs2110316067, ClinGen allele CA357796000.